The following is an entry in ClinVar:

NM_000188.3(HK1):c.*7G>A

Gene: HK1 (hexokinase 1; plus strand). Cytogenetic location: 10q22.1.
Variant type: single nucleotide variant.
Coding change: c.*7G>A on transcript NM_000188.3 (MANE Select); 7 bases downstream of the stop codon, G replaced by A.
Molecular consequence: 3 prime UTR variant. On other transcripts: non-coding transcript variant (2).
Genome position (GRCh38, 1-based): chr10:69,401,142, G>A. VCF-style: chr10-69401142-G-A. GRCh37 (hg19) VCF-style: chr10-71160898-G-A.
Other names: c.*7G>A (NM_001322364.2, NM_001322365.2, NM_001322366.1 and 21 more transcripts).
Identifiers: ClinVar variation 4986119 (VCV004986119.1).

ClinVar aggregate classification (germline): Likely benign (1 of 4 stars; one submission).

Conditions:
HK1-related disorder. Also called: HK1-related condition; HK1-related disorders.

gnomAD v4.1: 17 of 1,612,316 alleles (0.0011%); highest among the groups gnomAD compares: South Asian, 0.011%; no homozygotes.

Submission:

PreventionGenetics, part of Exact Sciences
Classification: Likely benign for HK1-related condition. Last evaluated: 2025-01-10. Review status: criteria provided, single submitter. Criteria: ACMG Guidelines, 2015. Collection method: clinical testing. Allele origin: germline.
Comment: This variant is classified as likely benign based on ACMG/AMP sequence variant interpretation guidelines (Richards et al. 2015 PMID: 25741868, with internal and published modifications).